The following is an entry in ClinVar:

ClinVar aggregate classification (germline): Pathogenic (0 of 4 stars; one submission).

Conditions:
Malignant tumor of breast. Also called: Malignant breast neoplasm; Cancer breast. Identifiers: MedGen C0006142, MONDO:0007254. Disease mechanism: loss of function.

Submission:

Department of Pathology and Laboratory Medicine, Sinai Health System
Classification: Pathogenic for Malignant tumor of breast. Review status: no assertion criteria provided. Collection method: clinical testing. Allele origin: unknown. Affected: yes. Study: The Canadian Open Genetics Repository (COGR).
Comment: The BARD1 c.1-?_2334+?del variant (chr:2 g.215593400_215674293del GRCh37) results in a deletion of the entire gene, exons 1-11, although the precise breakpoints of this deletion were not determined nor were the effects of this variant on the resulting mRNA or protein product determined. The variant was not identified in the literature nor was it identified in ClinVar. The variant was not identified in the following control databases: the Exome Aggregation Consortium (August 8th 2016) or the Genome Aggregation Database (Feb 27, 2017). This deletion is predicted to result in absence of the BARD1 protein and loss of function. Loss of function variants of the BARD1 gene are an established mechanism of disease in BARD1 associated cancers and is the type of variant expected to cause the disorder. In summary, based on the above information, this variant meets our laboratoryâ€šÃ„Ã´s criteria to be classified as pathogenic.

NM_000465.4(BARD1):c.1904-502_*2del

Gene: BARD1 (BRCA1 associated RING domain 1; minus strand). Cytogenetic location: 2q35.
Variant type: Deletion.
Coding change: c.1904-502_*2del on transcript NM_000465.4 (MANE Select); 502 bases into the intron before coding-DNA position 1904 through 2 bases downstream of the stop codon, 2,337 bases deleted.
Molecular consequence: splice acceptor variant, splice donor variant.
Genome position (GRCh38, 1-based): chr2:214,728,674-214,731,010, 2,337 bases deleted. GRCh37 (hg19): chr2:215,593,398-215,595,734.
Other names: c.494-502_*2del (NM_001282548.2); c.1847-502_*2del (NM_001282543.2); c.551-502_*2del (NM_001282545.2); c.365-502_*2del (NM_001282549.2).
Identifiers: ClinVar variation 1049655 (VCV001049655.2), ClinGen allele CA2499215601.